The following is an entry in ClinVar:

ClinVar aggregate classification (germline): Uncertain significance. Review status: criteria provided, multiple submitters, no conflicts (2 of 4 stars). 2 submissions from 2 submitters: Uncertain significance (2). Last evaluated 2025-05-13.

Allele frequency attached by ClinVar (database versions not stated): gnomAD 0.00001.
gnomAD v4.1: 6 of 1,573,106 alleles (0.00038%); highest among the groups gnomAD compares: African/African-American, 0.0055%; no homozygotes.

Submissions (2):

Ambry Genetics
Classification: Uncertain significance. Last evaluated: 2025-05-13. Review status: criteria provided, single submitter. Criteria: Ambry Variant Classification Scheme 2023. Collection method: clinical testing. Allele origin: germline.

Labcorp Genetics (formerly Invitae), Labcorp
Classification: Uncertain significance. Last evaluated: 2023-03-15. Review status: criteria provided, single submitter. Criteria: Invitae Variant Classification Sherloc (09022015). Collection method: clinical testing. Allele origin: germline.
Comment: In summary, the available evidence is currently insufficient to determine the role of this variant in disease. Therefore, it has been classified as a Variant of Uncertain Significance. An algorithm developed to predict the effect of missense changes on protein structure and function (PolyPhen-2) suggests that this variant is likely to be disruptive. This variant has not been reported in the literature in individuals affected with KCNK4-related conditions. This variant is present in population databases (no rsID available, gnomAD 0.01%). This sequence change replaces alanine, which is neutral and non-polar, with glutamic acid, which is acidic and polar, at codon 284 of the KCNK4 protein (p.Ala284Glu).

NM_033310.3(KCNK4):c.851C>A (p.Ala284Glu)

Genes: KCNK4-CATSPERZ (KCNK4-CATSPERZ readthrough (NMD candidate); plus strand), KCNK4 (potassium two pore domain channel subfamily K member 4; plus strand). Cytogenetic location: 11q13.1.
Variant type: single nucleotide variant.
Coding change: c.851C>A on transcript NM_033310.3 (MANE Select); coding-DNA position 851, C replaced by A.
Protein change: p.Ala284Glu; replaces alanine 284 with glutamic acid.
Molecular consequence: missense variant. On other transcripts: non-coding transcript variant (3).
Genome position (GRCh38, 1-based): chr11:64,299,395, C>A. VCF-style: chr11-64299395-C-A. GRCh37 (hg19) VCF-style: chr11-64066867-C-A.
Other names: c.851C>A (NM_033310.2); c.851C>A, p.Ala284Glu (NM_001317090.2, NM_033311.1); short protein forms A284E.
Identifiers: ClinVar variation 2842601 (VCV002842601.4), dbSNP rs1165305650, ClinGen allele CA381067074.